The following is an entry in ClinVar:

ClinVar aggregate classification (germline): Pathogenic/Likely pathogenic. Review status: criteria provided, multiple submitters, no conflicts (2 of 4 stars). 2 submissions from 2 submitters: Pathogenic (1); Likely pathogenic (1). Last evaluated 2025-07-30.

Conditions:
CCNO-related disorder. Also called: CCNO-related condition.

Submissions (2):

PreventionGenetics, part of Exact Sciences
Classification: Pathogenic for CCNO-related condition. Last evaluated: 2025-07-30. Review status: criteria provided, single submitter. Criteria: ACMG Guidelines, 2015. Collection method: clinical testing. Allele origin: germline.
Comment: The CCNO c.793dupG variant is predicted to result in a frameshift and premature protein termination (p.Val265Glyfs*106). This variant was reported in the compound heterozygous state in an individual with primary ciliary dyskinesia (Patient H in Table S2, Khoury Damaa et al. 2025. PubMed ID: 39740663). Airway epithelial cells obtained from this patient were found to have a significant reduction in the proportion of cells with multiple basal bodies and/or cilia (Patient H in Figure 6H and Figure S8B, Khoury Damaa et al. 2025. PubMed ID: 39740663). This variant is reported in 0.0043% of alleles in individuals of European (Non-Finnish) descent in gnomAD. Frameshift variants in CCNO are expected to be pathogenic. This variant is interpreted as pathogenic.

Blueprint Genetics
Classification: Likely pathogenic for CCNO-related disorders. Last evaluated: 2021-06-29. Review status: criteria provided, single submitter. Criteria: ACMG Guidelines, 2015. Collection method: clinical testing. Allele origin: germline. Affected: yes. Observed: 3 variant alleles.

NM_021147.5(CCNO):c.793dup (p.Val265fs)

Gene: CCNO (cyclin O; minus strand). Cytogenetic location: 5q11.2.
Variant type: Duplication.
Coding change: c.793dup on transcript NM_021147.5 (MANE Select); coding-DNA position 793, one base duplicated (G; older notation c.793dupG).
Protein change: p.Val265fs; shifts the reading frame from valine 265.
Molecular consequence: frameshift variant. On other transcripts: non-coding transcript variant (3).
Genome position (GRCh38, 1-based): chr5:55,231,635, C duplicated on the plus strand (G on the coding strand, the reverse complement: CCNO is on the minus strand); the first of 6 consecutive C bases (chr5:55,231,635-55,231,640); duplicating any one gives the same sequence. VCF-style (leftmost placement, unchanged base first): chr5-55231634-A-AC. GRCh37 (hg19) VCF-style: chr5-54527462-A-AC.
Other names: c.793dupG (NM_021147.4); short protein forms V265fs.
Identifiers: ClinVar variation 4970387 (VCV004970387.2).